The following is an entry in ClinVar:

NM_001046.3(SLC12A2):c.2003T>A (p.Ile668Asn)

Gene: SLC12A2 (solute carrier family 12 member 2; plus strand). Cytogenetic location: 5q23.3.
Variant type: single nucleotide variant.
Coding change: c.2003T>A on transcript NM_001046.3 (MANE Select); coding-DNA position 2003, T replaced by A.
Protein change: p.Ile668Asn; replaces isoleucine 668 with asparagine.
Molecular consequence: missense variant. On other transcripts: non-coding transcript variant (1).
Genome position (GRCh38, 1-based): chr5:128,148,875, T>A. VCF-style: chr5-128148875-T-A. GRCh37 (hg19) VCF-style: chr5-127484567-T-A.
Other names: c.2003T>A, p.Ile668Asn (NM_001256461.2); short protein forms I668N.
Identifiers: ClinVar variation 3662905 (VCV003662905.2).

ClinVar aggregate classification (germline): Uncertain significance (1 of 4 stars; one submission).

Submission:

Labcorp Genetics (formerly Invitae), Labcorp
Classification: Uncertain significance. Last evaluated: 2024-11-29. Review status: criteria provided, single submitter. Criteria: Invitae Variant Classification Sherloc (09022015). Collection method: clinical testing. Allele origin: germline.
Comment: This sequence change replaces isoleucine, which is neutral and non-polar, with asparagine, which is neutral and polar, at codon 668 of the SLC12A2 protein (p.Ile668Asn). This variant is not present in population databases (gnomAD no frequency). This variant has not been reported in the literature in individuals affected with SLC12A2-related conditions. An algorithm developed to predict the effect of missense changes on protein structure and function (PolyPhen-2) suggests that this variant is likely to be disruptive. In summary, the available evidence is currently insufficient to determine the role of this variant in disease. Therefore, it has been classified as a Variant of Uncertain Significance.